The following is an entry in ClinVar:

NM_018136.5(ASPM):c.8124T>G (p.Tyr2708Ter)

Gene: ASPM (assembly factor for spindle microtubules; minus strand). Cytogenetic location: 1q31.3.
Variant type: single nucleotide variant.
Coding change: c.8124T>G on transcript NM_018136.5 (MANE Select); coding-DNA position 8124, T replaced by G.
Protein change: p.Tyr2708Ter; replaces tyrosine 2708 with a stop codon.
Molecular consequence: nonsense. On other transcripts: intron variant (1).
Genome position (GRCh38, 1-based): chr1:197,101,127, A>C on the plus strand (T>G on the coding strand, the complement: ASPM is on the minus strand). VCF-style: chr1-197101127-A-C. GRCh37 (hg19) VCF-style: chr1-197070257-A-C.
Other names: c.4066-4963T>G (NM_001206846.2); short protein forms Y2708*.
Identifiers: ClinVar variation 234471 (VCV000234471.4), dbSNP rs876661036, ClinGen allele CA10577222.

ClinVar aggregate classification (germline): Pathogenic (1 of 4 stars; one submission).

Allele frequency attached by ClinVar (database versions not stated): gnomAD 0.00001; TOPMed 0.00001; gnomAD exomes 0.00002.
gnomAD v4.1: 33 of 1,612,272 alleles (0.002%); highest among the groups gnomAD compares: Non-Finnish European, 0.0028%; no homozygotes.

Submission:

GeneDx
Classification: Pathogenic. Last evaluated: 2023-12-21. Review status: criteria provided, single submitter. Criteria: GeneDx Variant Classification Process June 2021. Collection method: clinical testing. Allele origin: germline. Affected: yes.
Comment: Nonsense variant predicted to result in protein truncation or nonsense mediated decay in a gene for which loss of function is a known mechanism of disease; Not observed at significant frequency in large population cohorts (gnomAD); Has not been previously published as pathogenic or benign to our knowledge